The following is an entry in ClinVar:

NM_153704.6(TMEM67):c.502G>A (p.Asp168Asn)

Gene: TMEM67 (transmembrane protein 67; plus strand). Cytogenetic location: 8q22.1.
Variant type: single nucleotide variant.
Coding change: c.502G>A on transcript NM_153704.6 (MANE Select); coding-DNA position 502, G replaced by A.
Protein change: p.Asp168Asn; replaces aspartic acid 168 with asparagine.
Molecular consequence: missense variant. On other transcripts: non-coding transcript variant (1).
Genome position (GRCh38, 1-based): chr8:93,763,937, G>A. VCF-style: chr8-93763937-G-A. GRCh37 (hg19) VCF-style: chr8-94776165-G-A.
Other names: c.259G>A, p.Asp87Asn (NM_001142301.1); short protein forms D168N, D87N.
Identifiers: ClinVar variation 2658689 (VCV002658689.24), dbSNP rs761727772, ClinGen allele CA371686491.

ClinVar aggregate classification (germline): Uncertain significance (1 of 4 stars; one submission).

gnomAD v4.1: 1 of 1,607,492 alleles (0.000062%); highest among the groups gnomAD compares: Non-Finnish European, 0.000085%; no homozygotes.

Submission:

CeGaT Center for Human Genetics Tuebingen
Classification: Uncertain significance. Last evaluated: 2023-10-01. Review status: criteria provided, single submitter. Criteria: CeGaT Center For Human Genetics Tuebingen Variant Classification Criteria Version 2. Collection method: clinical testing. Allele origin: germline. Affected: yes. Observed: 1 variant allele.
Comment: TMEM67: PM2, BP4